The following is an entry in ClinVar:

ClinVar aggregate classification (germline): Uncertain significance (1 of 4 stars; one submission).

Conditions:
Conotruncal heart malformations (CTHM). Also called: Conotruncal heart malformations, variable. Identifiers: Orphanet 2445, Orphanet 3384, Orphanet 3426, MedGen C1857586, MONDO:0016581, OMIM 217095.

Submission:

Labcorp Genetics (formerly Invitae), Labcorp
Classification: Uncertain significance for Conotruncal heart malformations. Last evaluated: 2024-03-26. Review status: criteria provided, single submitter. Criteria: Invitae Variant Classification Sherloc (09022015). Collection method: clinical testing. Allele origin: germline.
Comment: This sequence change replaces aspartic acid, which is acidic and polar, with histidine, which is basic and polar, at codon 117 of the NKX2-6 protein (p.Asp117His). This variant is not present in population databases (gnomAD no frequency). This variant has not been reported in the literature in individuals affected with NKX2-6-related conditions. Advanced modeling of protein sequence and biophysical properties (such as structural, functional, and spatial information, amino acid conservation, physicochemical variation, residue mobility, and thermodynamic stability) performed at Invitae indicates that this missense variant is not expected to disrupt NKX2-6 protein function with a negative predictive value of 80%. In summary, the available evidence is currently insufficient to determine the role of this variant in disease. Therefore, it has been classified as a Variant of Uncertain Significance.

NM_001136271.3(NKX2-6):c.349G>C (p.Asp117His)

Gene: NKX2-6 (NK2 homeobox 6; minus strand). Cytogenetic location: 8p21.2.
Variant type: single nucleotide variant.
Coding change: c.349G>C on transcript NM_001136271.3 (MANE Select); coding-DNA position 349, G replaced by C.
Protein change: p.Asp117His; replaces aspartic acid 117 with histidine.
Molecular consequence: missense variant.
Genome position (GRCh38, 1-based): chr8:23,703,008, C>G on the plus strand (G>C on the coding strand, the complement: NKX2-6 is on the minus strand). VCF-style: chr8-23703008-C-G. GRCh37 (hg19) VCF-style: chr8-23560521-C-G.
Other names: short protein forms D117H.
Identifiers: ClinVar variation 3718280 (VCV003718280.2).
Genomic context (GRCh38, chr8:23,703,008, plus strand): 5'-CGCGCGGCTTCCGTCGTTGCCGCGCCTTGGGCTGCTCCGAGCGGCCACCCCGCACGCTGT[C>G]GCCGCTGTTGCCAACGCCGCGCTCTGGCACCCTGGTCCCGCCGCCGAGGGGCGAGGCCGC-3'
Protein context (NP_001129743.2, residues 107-127): VPERGVGNSG[Asp117His]SVRGGRSEQP